The following is an entry in ClinVar:

NM_001378778.1(MPDZ):c.64C>T (p.Arg22Ter)

Gene: MPDZ (multiple PDZ domain crumbs cell polarity complex component; minus strand). Cytogenetic location: 9p23.
Variant type: single nucleotide variant.
Coding change: c.64C>T on transcript NM_001378778.1 (MANE Select); coding-DNA position 64, C replaced by T.
Protein change: p.Arg22Ter; replaces arginine 22 with a stop codon.
Molecular consequence: nonsense.
Genome position (GRCh38, 1-based): chr9:13,247,754, G>A on the plus strand (C>T on the coding strand, the complement: MPDZ is on the minus strand). VCF-style: chr9-13247754-G-A. GRCh37 (hg19) VCF-style: chr9-13247753-G-A.
Other names: c.64C>T, p.Arg22Ter (NM_001261406.2, NM_001261407.2, NM_001330637.2 and 14 more transcripts); short protein forms R22*.
Identifiers: ClinVar variation 1895790 (VCV001895790.5), dbSNP rs763968231, ClinGen allele CA4988253.
Genomic context (GRCh38, chr9:13,247,754, plus strand): 5'-TCTGCAGGACTGACTTCAGAAGGCTCAGTTTGTCTTCATTTGCTACATCCCCACGTTCTC[G>A]CAGCTTGGTTTGCAAGCGCTCTGCTGCATGCAGGGCCCGATTTTTGTCTATACCAAAGAG-3'

ClinVar aggregate classification (germline): Pathogenic (1 of 4 stars; one submission).

Allele frequency attached by ClinVar (database versions not stated): gnomAD exomes below 0.00001; ExAC 0.00001.
gnomAD v4.1: 5 of 1,612,504 alleles (0.00031%); highest among the groups gnomAD compares: East Asian, 0.0022%; no homozygotes.

Submission:

Labcorp Genetics (formerly Invitae), Labcorp
Classification: Pathogenic. Last evaluated: 2022-06-19. Review status: criteria provided, single submitter. Criteria: Invitae Variant Classification Sherloc (09022015). Collection method: clinical testing. Allele origin: germline.
Comment: This variant has not been reported in the literature in individuals affected with MPDZ-related conditions. This variant is not present in population databases (gnomAD no frequency). This sequence change creates a premature translational stop signal (p.Arg22*) in the MPDZ gene. It is expected to result in an absent or disrupted protein product. Loss-of-function variants in MPDZ are known to be pathogenic (PMID: 23240096, 28556411). For these reasons, this variant has been classified as Pathogenic.

Literature cited by the submitters: PubMed 23240096; PubMed 28556411.